The following is an entry in ClinVar:

ClinVar aggregate classification (germline): Uncertain significance (1 of 4 stars; one submission).

Conditions:
Hereditary cancer-predisposing syndrome. Also called: Neoplastic Syndromes, Hereditary; Hereditary Cancer Syndrome; Tumor predisposition; Hereditary neoplastic syndrome. Identifiers: Orphanet 140162, MedGen C0027672, MeSH D009386, MONDO:0015356.

Allele frequency attached by ClinVar (database versions not stated): gnomAD exomes below 0.00001.
gnomAD v4.1: 2 of 1,613,236 alleles (0.00012%); highest among the groups gnomAD compares: Non-Finnish European, 0.00017%; no homozygotes.

Submission:

Ambry Genetics
Classification: Uncertain significance for Hereditary cancer-predisposing syndrome. Last evaluated: 2023-02-07. Review status: criteria provided, single submitter. Criteria: Ambry Variant Classification Scheme 2023. Collection method: clinical testing. Allele origin: germline.
Comment: The p.A494T variant (also known as c.1480G>A), located in coding exon 10 of the FH gene, results from a G to A substitution at nucleotide position 1480. The alanine at codon 494 is replaced by threonine, an amino acid with similar properties. This amino acid position is well conserved in available vertebrate species. In addition, the in silico prediction for this alteration is inconclusive. Since supporting evidence is limited at this time, the clinical significance of this alteration remains unclear.

NM_000143.4(FH):c.1480G>A (p.Ala494Thr)

Gene: FH (fumarate hydratase; minus strand). Cytogenetic location: 1q43.
Variant type: single nucleotide variant.
Coding change: c.1480G>A on transcript NM_000143.4 (MANE Select); coding-DNA position 1480, G replaced by A.
Protein change: p.Ala494Thr; replaces alanine 494 with threonine.
Molecular consequence: missense variant.
Genome position (GRCh38, 1-based): chr1:241,497,881, C>T on the plus strand (G>A on the coding strand, the complement: FH is on the minus strand). VCF-style: chr1-241497881-C-T. GRCh37 (hg19) VCF-style: chr1-241661181-C-T.
Other names: short protein forms A494T.
Identifiers: ClinVar variation 2447198 (VCV002447198.2), dbSNP rs1553340508, ClinGen allele CA345450428.